The following is an entry in ClinVar:

ClinVar aggregate classification (germline): Uncertain significance (1 of 4 stars; one submission).

gnomAD v4.1: 6 of 1,585,768 alleles (0.00038%); highest among the groups gnomAD compares: Non-Finnish European, 0.00052%; no homozygotes.

Submission:

Labcorp Genetics (formerly Invitae), Labcorp
Classification: Uncertain significance. Last evaluated: 2024-02-23. Review status: criteria provided, single submitter. Criteria: Invitae Variant Classification Sherloc (09022015). Collection method: clinical testing. Allele origin: germline.
Comment: This sequence change replaces serine, which is neutral and polar, with arginine, which is basic and polar, at codon 762 of the PROM1 protein (p.Ser762Arg). This variant is not present in population databases (gnomAD no frequency). This variant has not been reported in the literature in individuals affected with PROM1-related conditions. ClinVar contains an entry for this variant (Variation ID: 1975091). Advanced modeling of protein sequence and biophysical properties (such as structural, functional, and spatial information, amino acid conservation, physicochemical variation, residue mobility, and thermodynamic stability) performed at Invitae indicates that this missense variant is not expected to disrupt PROM1 protein function with a negative predictive value of 80%. In summary, the available evidence is currently insufficient to determine the role of this variant in disease. Therefore, it has been classified as a Variant of Uncertain Significance.

NM_006017.3(PROM1):c.2284A>C (p.Ser762Arg)

Gene: PROM1 (prominin 1; minus strand). Cytogenetic location: 4p15.32.
Variant type: single nucleotide variant.
Coding change: c.2284A>C on transcript NM_006017.3 (MANE Select); coding-DNA position 2284, A replaced by C.
Protein change: p.Ser762Arg; replaces serine 762 with arginine.
Molecular consequence: missense variant.
Genome position (GRCh38, 1-based): chr4:15,984,352, T>G on the plus strand (A>C on the coding strand, the complement: PROM1 is on the minus strand). VCF-style: chr4-15984352-T-G. GRCh37 (hg19) VCF-style: chr4-15985975-T-G.
Other names: c.2257A>C, p.Ser753Arg (NM_001145847.2, NM_001145848.2, NM_001145851.2 and 4 more transcripts); c.2284A>C, p.Ser762Arg (NM_001145849.2, NM_001145850.2); short protein forms S753R, S762R.
Identifiers: ClinVar variation 1975091 (VCV001975091.5), dbSNP rs202029748, ClinGen allele CA356427230.